The following is an entry in ClinVar:

NM_001382430.1(AKT1):c.614C>G (p.Ser205Cys)

Gene: AKT1 (AKT serine/threonine kinase 1; minus strand). Cytogenetic location: 14q32.33.
Variant type: single nucleotide variant.
Coding change: c.614C>G on transcript NM_001382430.1 (MANE Select); coding-DNA position 614, C replaced by G.
Protein change: p.Ser205Cys; replaces serine 205 with cysteine.
Molecular consequence: missense variant.
Genome position (GRCh38, 1-based): chr14:104,774,957, G>C on the plus strand (C>G on the coding strand, the complement: AKT1 is on the minus strand). VCF-style: chr14-104774957-G-C. GRCh37 (hg19) VCF-style: chr14-105241294-G-C.
Other names: c.614C>G, p.Ser205Cys (NM_001014431.2, NM_001014432.2, NM_001382431.1 and 3 more transcripts); short protein forms S205C.
Identifiers: ClinVar variation 1436149 (VCV001436149.6), dbSNP rs1240566715, ClinGen allele CA391219186.

ClinVar aggregate classification (germline): Uncertain significance (1 of 4 stars; one submission).

Conditions:
Cowden syndrome 6 (CWS6). Identifiers: Orphanet 201, MedGen C3554519, MONDO:0014048, OMIM 615109.

Allele frequency attached by ClinVar (database versions not stated): gnomAD exomes below 0.00001.
gnomAD v4.1: 2 of 1,612,500 alleles (0.00012%); highest among the groups gnomAD compares: South Asian, 0.0022%; no homozygotes.

Submission:

Labcorp Genetics (formerly Invitae), Labcorp
Classification: Uncertain significance for Cowden syndrome 6. Last evaluated: 2021-09-21. Review status: criteria provided, single submitter. Criteria: Invitae Variant Classification Sherloc (09022015). Collection method: clinical testing. Allele origin: germline.
Comment: In summary, the available evidence is currently insufficient to determine the role of this variant in disease. Therefore, it has been classified as a Variant of Uncertain Significance. Algorithms developed to predict the effect of missense changes on protein structure and function are either unavailable or do not agree on the potential impact of this missense change (SIFT: "Tolerated"; PolyPhen-2: "Probably Damaging"; Align-GVGD: "Class C0"). This variant has not been reported in the literature in individuals affected with AKT1-related conditions. This variant is not present in population databases (ExAC no frequency). This sequence change replaces serine with cysteine at codon 205 of the AKT1 protein (p.Ser205Cys). The serine residue is weakly conserved and there is a moderate physicochemical difference between serine and cysteine.